The following is an entry in ClinVar:

NC_000006.11:g.(?_151726370)_(151766946_?)dup

Gene: RMND1 (required for meiotic nuclear division 1 homolog; minus strand). Cytogenetic location: 6q25.1.
Variant type: Duplication.
Identifiers: ClinVar variation 2426412 (VCV002426412.4).

ClinVar aggregate classification (germline): Uncertain significance (1 of 4 stars; one submission).

Submission:

Labcorp Genetics (formerly Invitae), Labcorp
Classification: Uncertain significance. Last evaluated: 2024-01-08. Review status: criteria provided, single submitter. Criteria: Invitae Variant Classification Sherloc (09022015). Collection method: clinical testing. Allele origin: germline.
Comment: A copy number gain of the genomic region encompassing the full coding sequence of the RMND1 gene has been identified. The boundaries of this event are unknown as they extend beyond the assayed region for this gene and therefore may encompass additional genes. As the precise location of this event is unknown, it may be in tandem or it may be located elsewhere in the genome. This variant has not been reported in the literature in individuals affected with RMND1-related conditions. Experimental studies and prediction algorithms are not available or were not evaluated, and the functional significance of this variant is currently unknown. In summary, the available evidence is currently insufficient to determine the role of this variant in disease. Therefore, it has been classified as a Variant of Uncertain Significance.